The following is an entry in ClinVar:

NM_005026.5(PIK3CD):c.1378C>T (p.Arg460Cys)

Genes: PIK3CD (phosphatidylinositol-4,5-bisphosphate 3-kinase catalytic subunit delta; plus strand), LOC126805612 (MED14-independent group 3 enhancer GRCh37_chr1:9778914-9780113; plus strand). Cytogenetic location: 1p36.22.
Variant type: single nucleotide variant.
Coding change: c.1378C>T on transcript NM_005026.5 (MANE Select); coding-DNA position 1378, C replaced by T.
Protein change: p.Arg460Cys; replaces arginine 460 with cysteine.
Molecular consequence: missense variant.
Genome position (GRCh38, 1-based): chr1:9,720,150, C>T. VCF-style: chr1-9720150-C-T. GRCh37 (hg19) VCF-style: chr1-9780208-C-T.
Other names: c.1378C>T, p.Arg460Cys (NM_001350234.2); c.1291C>T, p.Arg431Cys (NM_001350235.1); short protein forms R460C, R431C.
Identifiers: ClinVar variation 2898779 (VCV002898779.4), dbSNP rs746363298, ClinGen allele CA577183.

ClinVar aggregate classification (germline): Uncertain significance. Review status: criteria provided, multiple submitters, no conflicts (2 of 4 stars). 2 submissions from 2 submitters: Uncertain significance (2). Last evaluated 2025-08-20.

Conditions:
Immunodeficiency 14 (IMD14A). Also called: ACTIVATED PI3K-DELTA SYNDROME 1; p110-DELTA-ACTIVATING MUTATION CAUSING SENESCENT T CELLS, LYMPHADENOPATHY, AND IMMUNODEFICIENCY; Activated PI3K Delta Syndrome Type 1 (APDS1); IMMUNODEFICIENCY 14A WITH LYMPHOPROLIFERATION, AUTOSOMAL DOMINANT. Identifiers: Orphanet 397596, Orphanet 693661, MedGen C5907821, MONDO:0014222, OMIM 615513.
Inborn genetic diseases. Identifiers: MedGen C0950123, MeSH D030342.

Allele frequency attached by ClinVar (database versions not stated): ExAC 0.00002; TOPMed 0.00001.

Submissions (2):

Ambry Genetics
Classification: Uncertain significance for Inborn genetic diseases. Last evaluated: 2025-08-20. Review status: criteria provided, single submitter. Criteria: Ambry Variant Classification Scheme 2023. Collection method: clinical testing. Allele origin: germline.

Labcorp Genetics (formerly Invitae), Labcorp
Classification: Uncertain significance for Activated PI3K-delta syndrome. Last evaluated: 2023-11-19. Review status: criteria provided, single submitter. Criteria: Invitae Variant Classification Sherloc (09022015). Collection method: clinical testing. Allele origin: germline.
Comment: This sequence change replaces arginine, which is basic and polar, with cysteine, which is neutral and slightly polar, at codon 460 of the PIK3CD protein (p.Arg460Cys). This variant is present in population databases (rs746363298, gnomAD 0.02%). This variant has not been reported in the literature in individuals affected with PIK3CD-related conditions. Algorithms developed to predict the effect of missense changes on protein structure and function output the following: SIFT: "Not Available"; PolyPhen-2: "Benign"; Align-GVGD: "Not Available". The cysteine amino acid residue is found in multiple mammalian species, which suggests that this missense change does not adversely affect protein function. In summary, the available evidence is currently insufficient to determine the role of this variant in disease. Therefore, it has been classified as a Variant of Uncertain Significance.